The following is an entry in ClinVar:

ClinVar aggregate classification (germline): Uncertain significance (1 of 4 stars; one submission).

Conditions:
NCOA1-related disorder. Also called: NCOA1-related condition.

Allele frequency attached by ClinVar (database versions not stated): ExAC 0.00003; TOPMed 0.00003; gnomAD 0.00004; gnomAD exomes 0.00004; ESP Exome Variant Server 0.00008.
gnomAD v4.1: 69 of 1,594,302 alleles (0.0043%); highest among the groups gnomAD compares: Non-Finnish European, 0.0055%; no homozygotes.

Submission:

PreventionGenetics, part of Exact Sciences
Classification: Uncertain significance for NCOA1-related condition. Last evaluated: 2026-05-06. Review status: criteria provided, single submitter. Criteria: ACMG Guidelines, 2015. Collection method: clinical testing. Allele origin: germline.
Comment: The NCOA1 c.2395A>T variant is predicted to result in the amino acid substitution p.Ile799Leu. To our knowledge, this variant has not been reported in the literature. This variant is reported in 0.0065% of alleles in individuals of European (Non-Finnish) descent in gnomAD. At this time, the clinical significance of this variant is uncertain due to the absence of conclusive functional and genetic evidence.

NM_003743.5(NCOA1):c.2395A>T (p.Ile799Leu)

Gene: NCOA1 (nuclear receptor coactivator 1; plus strand). Cytogenetic location: 2p23.3.
Variant type: single nucleotide variant.
Coding change: c.2395A>T on transcript NM_003743.5 (MANE Select); coding-DNA position 2395, A replaced by T.
Protein change: p.Ile799Leu; replaces isoleucine 799 with leucine.
Molecular consequence: missense variant.
Genome position (GRCh38, 1-based): chr2:24,707,865, A>T. VCF-style: chr2-24707865-A-T. GRCh37 (hg19) VCF-style: chr2-24930734-A-T.
Other names: c.2395A>T, p.Ile799Leu (NM_001362950.1, NM_001362952.1, NM_001362954.1 and 3 more transcripts); short protein forms I799L.
Identifiers: ClinVar variation 2634240 (VCV002634240.4), dbSNP rs369890735, ClinGen allele CA1552389.